The following is an entry in ClinVar:

ClinVar aggregate classification (germline): Uncertain significance (1 of 4 stars; one submission).

Submission:

GeneDx
Classification: Uncertain significance. Last evaluated: 2023-01-26. Review status: criteria provided, single submitter. Criteria: GeneDx Variant Classification Process June 2021. Collection method: clinical testing. Allele origin: germline. Affected: yes.
Comment: Not observed at significant frequency in large population cohorts (gnomAD); In silico analysis supports that this missense variant does not alter protein structure/function; Has not been previously published as pathogenic or benign to our knowledge

NM_000829.4(GRIA4):c.1211C>T (p.Thr404Ile)

Gene: GRIA4 (glutamate ionotropic receptor AMPA type subunit 4; plus strand). Cytogenetic location: 11q22.3.
Variant type: single nucleotide variant.
Coding change: c.1211C>T on transcript NM_000829.4 (MANE Select); coding-DNA position 1211, C replaced by T.
Protein change: p.Thr404Ile; replaces threonine 404 with isoleucine.
Molecular consequence: missense variant. On other transcripts: non-coding transcript variant (1).
Genome position (GRCh38, 1-based): chr11:105,910,487, C>T. VCF-style: chr11-105910487-C-T. GRCh37 (hg19) VCF-style: chr11-105781213-C-T.
Other names: c.1211C>T, p.Thr404Ile (NM_001077243.3, NM_001077244.2, NM_001112812.2); short protein forms T404I.
Identifiers: ClinVar variation 2574457 (VCV002574457.1), dbSNP rs2497852814, ClinGen allele CA382304986.